The following is an entry in ClinVar:

ClinVar aggregate classification (germline): Uncertain significance (1 of 4 stars; one submission).

Conditions:
Inborn genetic diseases. Identifiers: MedGen C0950123, MeSH D030342.

gnomAD v4.1: 1 of 1,614,158 alleles (0.000062%); highest among the groups gnomAD compares: Non-Finnish European, 0.000085%; no homozygotes.

Submission:

Ambry Genetics
Classification: Uncertain significance for Inborn genetic diseases. Last evaluated: 2026-09-01. Review status: criteria provided, single submitter. Criteria: Ambry Variant Classification Scheme 2023. Collection method: clinical testing. Allele origin: germline.
Comment: The p.K387E variant (also known as c.1159A>G), located in coding exon 11 of the DDX41 gene, results from an A to G substitution at nucleotide position 1159. The lysine at codon 387 is replaced by glutamic acid, an amino acid with similar properties. This amino acid position is highly conserved in available vertebrate species. In addition, this alteration is predicted to be deleterious by in silico analysis. Based on the available evidence, the clinical significance of this variant remains unclear.

NM_016222.4(DDX41):c.1159A>G (p.Lys387Glu)

Gene: DDX41 (DEAD-box helicase 41; minus strand). Cytogenetic location: 5q35.3.
Variant type: single nucleotide variant.
Coding change: c.1159A>G on transcript NM_016222.4 (MANE Select); coding-DNA position 1159, A replaced by G.
Protein change: p.Lys387Glu; replaces lysine 387 with glutamic acid.
Molecular consequence: missense variant.
Genome position (GRCh38, 1-based): chr5:177,513,424, T>C on the plus strand (A>G on the coding strand, the complement: DDX41 is on the minus strand). VCF-style: chr5-177513424-T-C. GRCh37 (hg19) VCF-style: chr5-176940425-T-C.
Other names: c.781A>G, p.Lys261Glu (NM_001321732.2, NM_001321830.2); short protein forms K261E, K387E.
Identifiers: ClinVar variation 5035172 (VCV005035172.1).